The following is an entry in ClinVar:

NM_000454.5(SOD1):c.95T>C (p.Val32Ala)

Gene: SOD1 (superoxide dismutase 1; plus strand). Cytogenetic location: 21q22.11.
Variant type: single nucleotide variant.
Coding change: c.95T>C on transcript NM_000454.5 (MANE Select); coding-DNA position 95, T replaced by C.
Protein change: p.Val32Ala; replaces valine 32 with alanine.
Molecular consequence: missense variant.
Genome position (GRCh38, 1-based): chr21:31,663,812, T>C. VCF-style: chr21-31663812-T-C. GRCh37 (hg19) VCF-style: chr21-33036125-T-C.
Other names: short protein forms V32A.
Identifiers: ClinVar variation 873196 (VCV000873196.9), dbSNP rs1428716759, ClinGen allele CA410036578.

ClinVar aggregate classification (germline): Conflicting classifications of pathogenicity. Review status: criteria provided, conflicting classifications (1 of 4 stars). 4 submissions from 4 submitters: Likely pathogenic (2); Uncertain significance (2). Last evaluated 2026-06-24.

Conditions:
Amyotrophic lateral sclerosis type 1 (ALS1). Also called: AMYOTROPHIC LATERAL SCLEROSIS 1, FAMILIAL. Identifiers: Orphanet 803, MedGen C1862939, MONDO:0007103, OMIM 105400.
Spastic tetraplegia and axial hypotonia, progressive. Also called: SOD1 DEFICIENCY, AUTOSOMAL RECESSIVE. Identifiers: MedGen C5231422, MONDO:0032828, OMIM 618598.

Submissions (4):

3billion
Classification: Likely pathogenic for Amyotrophic lateral sclerosis type 1. Last evaluated: 2026-06-24. Review status: criteria provided, single submitter. Criteria: ACMG Guidelines, 2015. Collection method: clinical testing. Allele origin: germline. Inheritance: Autosomal dominant inheritance. Affected: yes.
Comment: The variant is not observed in the gnomAD v4.1.0 dataset. Predicted Consequence/Location: Missense variant Functional studies provide supporting evidence of the variant having a damaging effect on the gene or gene product (PMID: 23954173). The same nucleotide change resulting in the same amino acid change has been previously reported to be associated with SOD1-related disorder (PMID: 23954173 / 3billion dataset). The variant has been reported to co-segregate with the disease in at least 3 similarly affected relatives/individuals in the same family or similarly affected unrelated families (PMID: 24611504). Therefore, this variant is classified as Likely pathogenic (PS1_P, PS3_P, PS4_S, PM2_P, PP1_P) according to the recommendation of ACMG/AMP guideline.

GeneDx
Classification: Uncertain significance. Last evaluated: 2022-10-13. Review status: criteria provided, single submitter. Criteria: GeneDx Variant Classification Process June 2021. Collection method: clinical testing. Allele origin: germline. Affected: yes.
Comment: Observed in several unrelated individuals with ALS, but familial segregation information and additional clinical information was not provided (Dangoumau et al., 2014; Tunca et al., 2020); Published functional studies suggest this variant results in formation of aggregates, however additional studies are needed to validate the functional effect of this variant in vivo (Dangoumau et al., 2021); Not observed at significant frequency in large population cohorts (gnomAD); In silico analysis supports that this missense variant has a deleterious effect on protein structure/function; This variant is associated with the following publications: (PMID: 25798606, 28680046, 24611504, 34426522, 33670299, 29709651, 26605782, 33655618, 32579787, 35328090, 23954173)

Suna and Inan Kirac Foundation Neurodegeneration Research Laboratory, Koc University
Classification: Likely pathogenic for Amyotrophic lateral sclerosis type 1. Last evaluated: 2020-03-31. Review status: criteria provided, single submitter. Criteria: ACMG Guidelines, 2015. Collection method: research. Allele origin: germline. Affected: yes. Observed: 2 variant alleles.

Centre for Mendelian Genomics, University Medical Centre Ljubljana
Classification: Uncertain significance for Spastic tetraplegia and axial hypotonia, progressive. Last evaluated: 2019-06-26. Review status: criteria provided, single submitter. Criteria: ACMG Guidelines, 2015. Collection method: clinical testing. Allele origin: unknown. Affected: yes.
Comment: This variant was classified as: Uncertain significance. The available evidence on this variant's pathogenicity is insufficient or conflicting. The following ACMG criteria were applied in classifying this variant: PM2,PP2,PP3.

Literature cited by the submitters: PubMed 23954173 (cited by 3billion); PubMed 24611504 (cited by 3billion).